The following is an entry in ClinVar:

NM_000264.5(PTCH1):c.3827A>G (p.His1276Arg)

Gene: PTCH1 (patched 1; minus strand). Cytogenetic location: 9q22.32.
Variant type: single nucleotide variant.
Coding change: c.3827A>G on transcript NM_000264.5 (MANE Select); coding-DNA position 3827, A replaced by G.
Protein change: p.His1276Arg; replaces histidine 1276 with arginine.
Molecular consequence: missense variant. On other transcripts: non-coding transcript variant (1).
Genome position (GRCh38, 1-based): chr9:95,447,429, T>C on the plus strand (A>G on the coding strand, the complement: PTCH1 is on the minus strand). VCF-style: chr9-95447429-T-C. GRCh37 (hg19) VCF-style: chr9-98209711-T-C.
Other names: c.3629A>G, p.His1210Arg (NM_001083602.3); c.3824A>G, p.His1275Arg (NM_001083603.3); c.3374A>G, p.His1125Arg (NM_001083604.3, NM_001083605.3, NM_001083606.3 and 1 more transcripts); c.3671A>G, p.His1224Arg (NM_001354918.2); short protein forms H1125R, H1210R, H1224R, H1275R, H1276R.
Identifiers: ClinVar variation 1019867 (VCV001019867.11), dbSNP rs1445693994, ClinGen allele CA374110842.
Genomic context (GRCh38, chr9:95,447,429, plus strand): 5'-CCGGGAGGCAGGGACCCTGAGTCCAGGTGGGGCTGCTGTCTCGGGTTCGAGGGTGGGTGA[T>C]GCCTGGATTCGGGATGGACCACCTGCAGAGGGTGAGGGTGGGTTAGAAGGGTGGTATCCC-3'
Protein context (NP_000255.2, residues 1266-1286): HSTVVHPESR[His1276Arg]HPPSNPRQQP

ClinVar aggregate classification (germline): Conflicting classifications of pathogenicity. Review status: criteria provided, conflicting classifications (1 of 4 stars). 2 submissions from 2 submitters: Uncertain significance (1); Benign (1). Last evaluated 2024-11-04.

Conditions:
Hereditary cancer-predisposing syndrome. Also called: Hereditary neoplastic syndrome; Neoplastic Syndromes, Hereditary; Tumor predisposition; Hereditary Cancer Syndrome. Identifiers: Orphanet 140162, MedGen C0027672, MeSH D009386, MONDO:0015356.
Gorlin syndrome. Also called: Nevoid Basal Cell Carcinoma Syndrome; Basal cell nevus syndrome. Identifiers: Orphanet 377, MedGen C0004779, MONDO:0007187.

Allele frequency attached by ClinVar (database versions not stated): gnomAD exomes below 0.00001; gnomAD 0.00001.
gnomAD v4.1: 2 of 1,597,604 alleles (0.00013%); highest among the groups gnomAD compares: African/African-American, 0.0013%; no homozygotes.

Submissions (2):

Labcorp Genetics (formerly Invitae), Labcorp
Classification: Benign for Gorlin syndrome. Last evaluated: 2024-11-04. Review status: criteria provided, single submitter. Criteria: Invitae Variant Classification Sherloc (09022015). Collection method: clinical testing. Allele origin: germline.

Ambry Genetics
Classification: Uncertain significance for Hereditary cancer-predisposing syndrome. Last evaluated: 2022-06-05. Review status: criteria provided, single submitter. Criteria: Ambry Variant Classification Scheme 2023. Collection method: clinical testing. Allele origin: germline.
Comment: The p.H1276R variant (also known as c.3827A>G), located in coding exon 23 of the PTCH1 gene, results from an A to G substitution at nucleotide position 3827. The histidine at codon 1276 is replaced by arginine, an amino acid with highly similar properties. This amino acid position is conserved. In addition, this alteration is predicted to be tolerated by in silico analysis. Since supporting evidence is limited at this time, the clinical significance of this alteration remains unclear.